The following is an entry in ClinVar:

ClinVar aggregate classification (germline): Uncertain significance. Review status: criteria provided, multiple submitters, no conflicts (2 of 4 stars). 2 submissions from 2 submitters: Uncertain significance (2). Last evaluated 2025-08-20.

Conditions:
Inborn genetic diseases. Identifiers: MedGen C0950123, MeSH D030342.

Allele frequency attached by ClinVar (database versions not stated): gnomAD exomes below 0.00001.

Submissions (2):

Ambry Genetics
Classification: Uncertain significance for Inborn genetic diseases. Last evaluated: 2025-08-20. Review status: criteria provided, single submitter. Criteria: Ambry Variant Classification Scheme 2023. Collection method: clinical testing. Allele origin: germline.

Women's Health and Genetics/Laboratory Corporation of America, LabCorp
Classification: Uncertain significance. Last evaluated: 2023-06-16. Review status: criteria provided, single submitter. Criteria: LabCorp Variant Classification Summary - May 2015. Collection method: clinical testing. Allele origin: germline.
Comment: Variant summary: TAP1 c.2419C>T (p.Pro807Ser) results in a non-conservative amino acid change in the encoded protein sequence. Three of four in-silico tools predict a benign effect of the variant on protein function. The variant allele was found at a frequency of 4.1e-06 in 246562 control chromosomes (gnomAD). The available data on variant occurrences in the general population are insufficient to allow any conclusion about variant significance. To our knowledge, no occurrence of c.2419C>T in individuals affected with MHC Class I Deficiency and no experimental evidence demonstrating its impact on protein function have been reported. No clinical diagnostic laboratories have submitted clinical-significance assessments for this variant to ClinVar after 2014. Based on the evidence outlined above, the variant was classified as uncertain significance.

NM_000593.6(TAP1):c.2239C>T (p.Pro747Ser)

Genes: PSMB8-AS1 (PSMB8 antisense RNA 1; plus strand), TAP1 (transporter 1, ATP binding cassette subfamily B member; minus strand). Cytogenetic location: 6p21.32.
Variant type: single nucleotide variant.
Coding change: c.2239C>T on transcript NM_000593.6 (MANE Select); coding-DNA position 2239, C replaced by T.
Protein change: p.Pro747Ser; replaces proline 747 with serine.
Molecular consequence: missense variant. On other transcripts: non-coding transcript variant (4).
Genome position (GRCh38, 1-based): chr6:32,845,587, G>A on the plus strand (C>T on the coding strand, the complement: TAP1 is on the minus strand). VCF-style: chr6-32845587-G-A. GRCh37 (hg19) VCF-style: chr6-32813364-G-A.
Other names: c.1636C>T, p.Pro546Ser (NM_001292022.2); short protein forms P546S, P747S.
Identifiers: ClinVar variation 2573443 (VCV002573443.2), dbSNP rs1323970381, ClinGen allele CA363590230.
Genomic context (GRCh38, chr6:32,845,587, plus strand): 5'-CACAGAGAGAAGAAAAGGGAGGGAGATGGAGTGCGCAGGTCTGAGAAGGCTTTCATTCTG[G>A]AGCATCTGCAGGAGCCTGCACCATGGCCCAGTAGCACCCCTTTTTCTCCATGAGCTGCTG-3'
Protein context (NP_000584.3, residues 737-748): WAMVQAPADA[Pro747Ser]E